The following is an entry in ClinVar:

NM_001851.6(COL9A1):c.15-88_15-82del

Gene: COL9A1 (collagen type IX alpha 1 chain; minus strand). Cytogenetic location: 6q13.
Variant type: Deletion.
Coding change: c.15-88_15-82del on transcript NM_001851.6 (MANE Select); 88 bases into the intron before coding-DNA position 15 through 82 bases into the intron before coding-DNA position 15, 7 bases deleted (TAATTAG; older notation c.15-88_15-82delTAATTAG).
Molecular consequence: intron variant.
Genome position (GRCh38, 1-based): chr6:70,302,156-70,302,162, CTAATTA deleted on the plus strand (TAATTAG on the coding strand, the reverse complement: COL9A1 is on the minus strand). VCF-style (leftmost placement, unchanged base first): chr6-70302155-CCTAATTA-C. GRCh37 (hg19) VCF-style: chr6-71011858-CCTAATTA-C.
Other names: c.15-88_15-82del (NM_001377291.1).
Identifiers: ClinVar variation 677913 (VCV000677913.1), dbSNP rs71711228, ClinGen allele CA140830787.
Genomic context (GRCh38, chr6:70,302,155, plus strand): 5'-ATGACTGAAACAGGAGTCCCCGCAGATGGAAAACACTTCCATATTTTCAAACCTAGTAAA[CCTAATTA>C]ATGTAAGGTGATCAAATCACAGTATAGTTTTTTTTTCATTTCTTTTTTTTTTTTTTTTTT-3'

ClinVar aggregate classification (germline): Benign (1 of 4 stars; one submission).

Allele frequency attached by ClinVar (database versions not stated): gnomAD exomes 0.05269; gnomAD 0.05613 and 0.05625; 1000 Genomes Project 0.05711; 1000 Genomes Project 30x 0.05903.

Submission:

GeneDx
Classification: Benign. Last evaluated: 2018-06-14. Review status: criteria provided, single submitter. Criteria: GeneDx Variant Classification (06012015). Collection method: clinical testing. Allele origin: germline. Affected: yes.
Comment: This variant is considered likely benign or benign based on one or more of the following criteria: it is a conservative change, it occurs at a poorly conserved position in the protein, it is predicted to be benign by multiple in silico algorithms, and/or has population frequency not consistent with disease.